The following is an entry in ClinVar:

ClinVar aggregate classification (germline): Uncertain significance (1 of 4 stars; one submission).

Conditions:
Niemann-Pick disease, type C1. Also called: NIEMANN-PICK DISEASE, VARIANT TYPE C1; NEUROVISCERAL STORAGE DISEASE WITH VERTICAL SUPRANUCLEAR OPHTHALMOPLEGIA; NIEMANN-PICK DISEASE WITH CHOLESTEROL ESTERIFICATION BLOCK; NIEMANN-PICK DISEASE WITHOUT SPHINGOMYELINASE DEFICIENCY; NIEMANN-PICK DISEASE, CHRONIC NEURONOPATHIC FORM. Identifiers: Orphanet 646, MedGen C3179455, MONDO:0009757, OMIM 257220.

Allele frequency attached by ClinVar (database versions not stated): gnomAD exomes below 0.00001; TOPMed below 0.00001.

Submission:

Labcorp Genetics (formerly Invitae), Labcorp
Classification: Uncertain significance for Niemann-Pick disease, type C1. Last evaluated: 2022-07-14. Review status: criteria provided, single submitter. Criteria: Invitae Variant Classification Sherloc (09022015). Collection method: clinical testing. Allele origin: germline.
Comment: This sequence change replaces asparagine, which is neutral and polar, with serine, which is neutral and polar, at codon 1137 of the NPC1 protein (p.Asn1137Ser). This variant is not present in population databases (gnomAD no frequency). This variant has not been reported in the literature in individuals affected with NPC1-related conditions. Algorithms developed to predict the effect of missense changes on protein structure and function are either unavailable or do not agree on the potential impact of this missense change (SIFT: "Deleterious"; PolyPhen-2: "Benign"; Align-GVGD: "Class C0"). Algorithms developed to predict the effect of sequence changes on RNA splicing suggest that this variant may create or strengthen a splice site. In summary, the available evidence is currently insufficient to determine the role of this variant in disease. Therefore, it has been classified as a Variant of Uncertain Significance.

NM_000271.5(NPC1):c.3410A>G (p.Asn1137Ser)

Gene: NPC1 (NPC intracellular cholesterol transporter 1; minus strand). Cytogenetic location: 18q11.2.
Variant type: single nucleotide variant.
Coding change: c.3410A>G on transcript NM_000271.5 (MANE Select); coding-DNA position 3410, A replaced by G.
Protein change: p.Asn1137Ser; replaces asparagine 1137 with serine.
Molecular consequence: missense variant.
Genome position (GRCh38, 1-based): chr18:23,535,536, T>C on the plus strand (A>G on the coding strand, the complement: NPC1 is on the minus strand). VCF-style: chr18-23535536-T-C. GRCh37 (hg19) VCF-style: chr18-21115500-T-C.
Other names: short protein forms N1137S.
Identifiers: ClinVar variation 1970616 (VCV001970616.2), dbSNP rs2058616293, ClinGen allele CA401791263.